The following is an entry in ClinVar:

ClinVar aggregate classification (germline): Uncertain significance (1 of 4 stars; one submission).

Conditions:
Cardiovascular phenotype. Identifiers: MedGen CN230736.

Submission:

Ambry Genetics
Classification: Uncertain significance for Cardiovascular phenotype. Last evaluated: 2025-05-08. Review status: criteria provided, single submitter. Criteria: Ambry Variant Classification Scheme 2023. Collection method: clinical testing. Allele origin: germline.
Comment: The p.T314N variant (also known as c.941C>A), located in coding exon 8 of the TRPM4 gene, results from a C to A substitution at nucleotide position 941. The threonine at codon 314 is replaced by asparagine, an amino acid with similar properties. This amino acid position is conserved. In addition, this alteration is predicted to be tolerated by in silico analysis. Based on the available evidence, the clinical significance of this variant remains unclear.

NM_017636.4(TRPM4):c.941C>A (p.Thr314Asn)

Gene: TRPM4 (transient receptor potential cation channel subfamily M member 4; plus strand). Cytogenetic location: 19q13.33.
Variant type: single nucleotide variant.
Coding change: c.941C>A on transcript NM_017636.4 (MANE Select); coding-DNA position 941, C replaced by A.
Protein change: p.Thr314Asn; replaces threonine 314 with asparagine.
Molecular consequence: missense variant. On other transcripts: 5 prime UTR variant (1).
Genome position (GRCh38, 1-based): chr19:49,171,660, C>A. VCF-style: chr19-49171660-C-A. GRCh37 (hg19) VCF-style: chr19-49674917-C-A.
Other names: c.941C>A, p.Thr314Asn (NM_001195227.2); c.596C>A, p.Thr199Asn (NM_001321281.2); c.-613C>A (NM_001321282.2); c.419C>A, p.Thr140Asn (NM_001321283.2); c.92C>A, p.Thr31Asn (NM_001321285.2); short protein forms T31N, T199N, T314N, T140N.
Identifiers: ClinVar variation 3974275 (VCV003974275.1).